The following is an entry in ClinVar:

NM_144687.4(NLRP12):c.2816C>G (p.Ala939Gly)

Gene: NLRP12 (NLR family pyrin domain containing 12; minus strand). Cytogenetic location: 19q13.42.
Variant type: single nucleotide variant.
Coding change: c.2816C>G on transcript NM_144687.4 (MANE Select); coding-DNA position 2816, C replaced by G.
Protein change: p.Ala939Gly; replaces alanine 939 with glycine.
Molecular consequence: missense variant. On other transcripts: intron variant (1).
Genome position (GRCh38, 1-based): chr19:53,798,354, G>C on the plus strand (C>G on the coding strand, the complement: NLRP12 is on the minus strand). VCF-style: chr19-53798354-G-C. GRCh37 (hg19) VCF-style: chr19-54301608-G-C.
Other names: c.2819C>G, p.Ala940Gly (NM_001277126.2); c.2757-2325C>G (NM_001277129.1); short protein forms A939G, A940G.
Identifiers: ClinVar variation 1356652 (VCV001356652.8), dbSNP rs2122532604, ClinGen allele CA407407938.

ClinVar aggregate classification (germline): Uncertain significance (1 of 4 stars; one submission).

Conditions:
Familial cold autoinflammatory syndrome 2 (FCAS2). Identifiers: Orphanet 247868, MedGen C2673198, MONDO:0012724, OMIM 611762.

Submission:

Labcorp Genetics (formerly Invitae), Labcorp
Classification: Uncertain significance for Familial cold autoinflammatory syndrome 2. Last evaluated: 2021-05-27. Review status: criteria provided, single submitter. Criteria: Invitae Variant Classification Sherloc (09022015). Collection method: clinical testing. Allele origin: germline.
Comment: This sequence change replaces alanine with glycine at codon 939 of the NLRP12 protein (p.Ala939Gly). The alanine residue is weakly conserved and there is a small physicochemical difference between alanine and glycine. This variant is not present in population databases (ExAC no frequency). This variant has not been reported in the literature in individuals with NLRP12-related conditions. Algorithms developed to predict the effect of missense changes on protein structure and function (SIFT, PolyPhen-2, Align-GVGD) all suggest that this variant is likely to be tolerated, but these predictions have not been confirmed by published functional studies and their clinical significance is uncertain. In summary, the available evidence is currently insufficient to determine the role of this variant in disease. Therefore, it has been classified as a Variant of Uncertain Significance.